The following is an entry in ClinVar:

NM_001145475.3(FAM186A):c.4800G>T (p.Gly1600=)

Gene: FAM186A (family with sequence similarity 186 member A; minus strand). Cytogenetic location: 12q13.12.
Variant type: single nucleotide variant.
Coding change: c.4800G>T on transcript NM_001145475.3 (MANE Select); coding-DNA position 4800, G replaced by T.
Protein change: p.Gly1600=; no amino-acid change (glycine 1600 retained).
Molecular consequence: synonymous variant.
Genome position (GRCh38, 1-based): chr12:50,352,032, C>A on the plus strand (G>T on the coding strand, the complement: FAM186A is on the minus strand). VCF-style: chr12-50352032-C-A. GRCh37 (hg19) VCF-style: chr12-50745815-C-A.
Identifiers: ClinVar variation 2672504 (VCV002672504.23), dbSNP rs1162746324, ClinGen allele CA479769142.

ClinVar aggregate classification (germline): Likely benign (1 of 4 stars; one submission).

Submission:

CeGaT Center for Human Genetics Tuebingen
Classification: Likely benign. Last evaluated: 2023-11-01. Review status: criteria provided, single submitter. Criteria: CeGaT Center For Human Genetics Tuebingen Variant Classification Criteria Version 2. Collection method: clinical testing. Allele origin: germline. Affected: yes. Observed: 1 variant allele.
Comment: FAM186A: BP4, BP7, BS2